The following is an entry in ClinVar:

ClinVar aggregate classification (germline): Uncertain significance (1 of 4 stars; one submission).

Allele frequency attached by ClinVar (database versions not stated): gnomAD 0.00001.
gnomAD v4.1: 2 of 1,591,224 alleles (0.00013%); highest among the groups gnomAD compares: Admixed American, 0.0018%; no homozygotes.

Submission:

Women's Health and Genetics/Laboratory Corporation of America, LabCorp
Classification: Uncertain significance. Last evaluated: 2024-04-26. Review status: criteria provided, single submitter. Criteria: LabCorp Variant Classification Summary - May 2015. Collection method: clinical testing. Allele origin: germline.
Comment: Variant summary: ADGRV1 c.12631C>G (p.Arg4211Gly) results in a non-conservative amino acid change in the encoded protein sequence. Three of five in-silico tools predict a damaging effect of the variant on protein function. The variant was absent in 209970 control chromosomes. The available data on variant occurrences in the general population are insufficient to allow any conclusion about variant significance. To our knowledge, no occurrence of c.12631C>G in individuals affected with Usher Syndrome and no experimental evidence demonstrating its impact on protein function have been reported. No submitters have cited clinical-significance assessments for this variant to ClinVar. Based on the evidence outlined above, the variant was classified as uncertain significance.

NM_032119.4(ADGRV1):c.12631C>G (p.Arg4211Gly)

Gene: ADGRV1 (adhesion G protein-coupled receptor V1; plus strand). Cytogenetic location: 5q14.3.
Variant type: single nucleotide variant.
Coding change: c.12631C>G on transcript NM_032119.4 (MANE Select); coding-DNA position 12631, C replaced by G.
Protein change: p.Arg4211Gly; replaces arginine 4211 with glycine.
Molecular consequence: missense variant. On other transcripts: non-coding transcript variant (1).
Genome position (GRCh38, 1-based): chr5:90,778,008, C>G. VCF-style: chr5-90778008-C-G. GRCh37 (hg19) VCF-style: chr5-90073825-C-G.
Other names: short protein forms R4211G.
Identifiers: ClinVar variation 3251676 (VCV003251676.1), dbSNP rs727504777.